The following is an entry in ClinVar:

NM_004655.4(AXIN2):c.1622G>T (p.Cys541Phe)

Gene: AXIN2 (axin 2; minus strand). Cytogenetic location: 17q24.1.
Variant type: single nucleotide variant.
Coding change: c.1622G>T on transcript NM_004655.4 (MANE Select); coding-DNA position 1622, G replaced by T.
Protein change: p.Cys541Phe; replaces cysteine 541 with phenylalanine.
Molecular consequence: missense variant.
Genome position (GRCh38, 1-based): chr17:65,537,414, C>A on the plus strand (G>T on the coding strand, the complement: AXIN2 is on the minus strand). VCF-style: chr17-65537414-C-A. GRCh37 (hg19) VCF-style: chr17-63533532-C-A.
Other names: c.1622G>T, p.Cys541Phe (NM_001363813.1); short protein forms C541F.
Identifiers: ClinVar variation 5032626 (VCV005032626.1).

ClinVar aggregate classification (germline): Uncertain significance (1 of 4 stars; one submission).

Conditions:
Hereditary cancer-predisposing syndrome. Also called: Neoplastic Syndromes, Hereditary; Tumor predisposition; Hereditary neoplastic syndrome; Hereditary Cancer Syndrome. Identifiers: Orphanet 140162, MedGen C0027672, MeSH D009386, MONDO:0015356.

Submission:

Ambry Genetics
Classification: Uncertain significance for Hereditary cancer-predisposing syndrome. Last evaluated: 2026-07-07. Review status: criteria provided, single submitter. Criteria: Ambry Variant Classification Scheme 2023. Collection method: clinical testing. Allele origin: germline.
Comment: The p.C541F variant (also known as c.1622G>T), located in coding exon 5 of the AXIN2 gene, results from a G to T substitution at nucleotide position 1622. The cysteine at codon 541 is replaced by phenylalanine, an amino acid with highly dissimilar properties. This amino acid position is conserved. In addition, the in silico prediction for this alteration is inconclusive. Based on the available evidence, the clinical significance of this variant remains unclear.